The following is an entry in ClinVar:

NM_015330.6(SPECC1L):c.2419del (p.Val807fs)

Genes: SPECC1L (sperm antigen with calponin homology and coiled-coil domains 1 like; plus strand), SPECC1L-ADORA2A (SPECC1L-ADORA2A readthrough (NMD candidate); plus strand). Cytogenetic location: 22q11.23.
Variant type: Deletion.
Coding change: c.2419del on transcript NM_015330.6 (MANE Select); coding-DNA position 2419, one base deleted (G; older notation c.2419delG).
Protein change: p.Val807fs; shifts the reading frame from valine 807.
Molecular consequence: frameshift variant. On other transcripts: non-coding transcript variant (1).
Genome position (GRCh38, 1-based): chr22:24,334,432, G deleted; the last of 3 consecutive G bases (chr22:24,334,430-24,334,432); deleting any one gives the same sequence. VCF-style (leftmost placement, unchanged base first): chr22-24334429-CG-C. GRCh37 (hg19) VCF-style: chr22-24730397-CG-C.
Other names: c.2419del, p.Val807fs (NM_001145468.4, NM_001254732.3); short protein forms V807fs.
Identifiers: ClinVar variation 2507062 (VCV002507062.1), dbSNP rs2517675921, ClinGen allele CA2580615265.

ClinVar aggregate classification (germline): Uncertain significance (1 of 4 stars; one submission).

Submission:

GeneDx
Classification: Uncertain significance. Last evaluated: 2022-12-27. Review status: criteria provided, single submitter. Criteria: GeneDx Variant Classification Process June 2021. Collection method: clinical testing. Allele origin: germline. Affected: yes.
Comment: Not observed at significant frequency in large population cohorts (gnomAD); Frameshift variant predicted to result in protein truncation or nonsense mediated decay in a gene or region of a gene for which loss of function is not a well-established mechanism of disease; Has not been previously published as pathogenic or benign to our knowledge